The following is an entry in ClinVar:

ClinVar aggregate classification (germline): Uncertain significance (1 of 4 stars; one submission).

Submission:

Labcorp Genetics (formerly Invitae), Labcorp
Classification: Uncertain significance. Last evaluated: 2025-03-11. Review status: criteria provided, single submitter. Criteria: Invitae Variant Classification Sherloc (09022015). Collection method: clinical testing. Allele origin: germline.
Comment: This sequence change replaces leucine, which is neutral and non-polar, with phenylalanine, which is neutral and non-polar, at codon 21 of the AQP2 protein (p.Leu21Phe). This variant is present in population databases (rs757280714, gnomAD 0.02%). This variant has not been reported in the literature in individuals affected with AQP2-related conditions. Invitae Evidence Modeling of protein sequence and biophysical properties (such as structural, functional, and spatial information, amino acid conservation, physicochemical variation, residue mobility, and thermodynamic stability) indicates that this missense variant is not expected to disrupt AQP2 protein function with a negative predictive value of 80%. In summary, the available evidence is currently insufficient to determine the role of this variant in disease. Therefore, it has been classified as a Variant of Uncertain Significance.

NM_000486.6(AQP2):c.61C>T (p.Leu21Phe)

Gene: AQP2 (aquaporin 2; plus strand). Cytogenetic location: 12q13.12.
Variant type: single nucleotide variant.
Coding change: c.61C>T on transcript NM_000486.6 (MANE Select); coding-DNA position 61, C replaced by T.
Protein change: p.Leu21Phe; replaces leucine 21 with phenylalanine.
Molecular consequence: missense variant.
Genome position (GRCh38, 1-based): chr12:49,950,891, C>T. VCF-style: chr12-49950891-C-T. GRCh37 (hg19) VCF-style: chr12-50344674-C-T.
Other names: short protein forms L21F.
Identifiers: ClinVar variation 4753331 (VCV004753331.1).